The following is an entry in ClinVar:

NM_033116.6(NEK9):c.1326T>C (p.Thr442=)

Gene: NEK9 (NIMA related kinase 9; minus strand). Cytogenetic location: 14q24.3.
Variant type: single nucleotide variant.
Coding change: c.1326T>C on transcript NM_033116.6 (MANE Select); coding-DNA position 1326, T replaced by C.
Protein change: p.Thr442=; no amino-acid change (threonine 442 retained).
Molecular consequence: synonymous variant.
Genome position (GRCh38, 1-based): chr14:75,107,344, A>G on the plus strand (T>C on the coding strand, the complement: NEK9 is on the minus strand). VCF-style: chr14-75107344-A-G. GRCh37 (hg19) VCF-style: chr14-75574047-A-G.
Other names: c.1326T>C, p.Thr442= (NM_001329237.2); c.972T>C, p.Thr324= (NM_001329238.2).
Identifiers: ClinVar variation 3057288 (VCV003057288.2), dbSNP rs143529818, ClinGen allele CA7277006.

ClinVar aggregate classification (germline): Likely benign (0 of 4 stars; one submission).

Conditions:
NEK9-related disorder. Also called: NEK9-related condition.

Allele frequency attached by ClinVar (database versions not stated): gnomAD 0.00019; TOPMed 0.00024; ExAC 0.00026; gnomAD exomes 0.00030; ESP Exome Variant Server 0.00046.
gnomAD v4.1: 462 of 1,611,898 alleles (0.029%); highest among the groups gnomAD compares: Middle Eastern, 0.05%; no homozygotes.

Submission:

PreventionGenetics, part of Exact Sciences
Classification: Likely benign for NEK9-related condition. Last evaluated: 2020-05-11. Review status: no assertion criteria provided. Collection method: clinical testing. Allele origin: germline.
Comment: This variant is classified as likely benign based on ACMG/AMP sequence variant interpretation guidelines (Richards et al. 2015 PMID: 25741868, with internal and published modifications).